The following is an entry in ClinVar:

ClinVar aggregate classification (germline): Uncertain significance (1 of 4 stars; one submission).

Submission:

Ambry Genetics
Classification: Uncertain significance. Last evaluated: 2025-07-31. Review status: criteria provided, single submitter. Criteria: Ambry Variant Classification Scheme 2023. Collection method: clinical testing. Allele origin: germline.
Comment: The p.C853* variant (also known as c.2559T>A), located in coding exon 24 of the KIF1B gene, results from a T to A substitution at nucleotide position 2559. This changes the amino acid from a cysteine to a stop codon within coding exon 24. The evidence for this gene-disease relationship is limited; therefore, the clinical significance of this alteration is unclear.

NM_001365951.3(KIF1B):c.2697T>A (p.Cys899Ter)

Genes: KIF1B (kinesin family member 1B; plus strand), LOC126805614 (BRD4-independent group 4 enhancer GRCh37_chr1:10385546-10386745; plus strand). Cytogenetic location: 1p36.22.
Variant type: single nucleotide variant.
Coding change: c.2697T>A on transcript NM_001365951.3 (MANE Select); coding-DNA position 2697, T replaced by A.
Protein change: p.Cys899Ter; replaces cysteine 899 with a stop codon.
Molecular consequence: nonsense.
Genome position (GRCh38, 1-based): chr1:10,326,132, T>A. VCF-style: chr1-10326132-T-A. GRCh37 (hg19) VCF-style: chr1-10386190-T-A.
Other names: c.2697T>A, p.Cys899Ter (NM_001365952.1); c.2559T>A, p.Cys853Ter (NM_015074.3); short protein forms C853*, C899*.
Identifiers: ClinVar variation 4092351 (VCV004092351.1).